The following is an entry in ClinVar:

NM_000059.4(BRCA2):c.9257-14T>C

Gene: BRCA2 (BRCA2 DNA repair associated; plus strand). Cytogenetic location: 13q13.1.
Variant type: single nucleotide variant.
Coding change: c.9257-14T>C on transcript NM_000059.4 (MANE Select); 14 bases into the intron before coding-DNA position 9257, T replaced by C.
Molecular consequence: intron variant.
Genome position (GRCh38, 1-based): chr13:32,394,675, T>C. VCF-style: chr13-32394675-T-C. GRCh37 (hg19) VCF-style: chr13-32968812-T-C.
Other names: c.9206-14T>C (NM_001406720.1); c.9161-14T>C (NM_001406719.1); c.4325-14T>C (NM_001406721.1); c.2840-14T>C (NM_001406722.1).
Identifiers: ClinVar variation 3076082 (VCV003076082.1), dbSNP rs2137651653, ClinGen allele CA2727916533.

ClinVar aggregate classification (germline): Uncertain significance (1 of 4 stars; one submission).

Conditions:
Hereditary cancer-predisposing syndrome. Also called: Neoplastic Syndromes, Hereditary; Tumor predisposition; Hereditary neoplastic syndrome; Hereditary Cancer Syndrome. Identifiers: Orphanet 140162, MedGen C0027672, MeSH D009386, MONDO:0015356.

Submission:

Ambry Genetics
Classification: Uncertain significance for Hereditary cancer-predisposing syndrome. Last evaluated: 2015-03-09. Review status: criteria provided, single submitter. Criteria: Ambry Variant Classification Scheme 2023. Collection method: clinical testing. Allele origin: germline.
Comment: The c.9257-14T>C intronic alteration consists of a T to C substitution 14 nucleotides before coding exon 24 in the BRCA2 gene. Based on insufficient or conflicting evidence, the clinical significance of this alteration remains unclear.